The following is an entry in ClinVar:

ClinVar aggregate classification (germline): Pathogenic. Review status: criteria provided, single submitter (1 of 4 stars). 2 submissions from 2 submitters: Pathogenic (1). 1 of the submissions does not count toward it. Last evaluated 2025-11-10.

Conditions:
Neurofibromatosis, type 1 (NF1). Also called: Peripheral type neurofibromatosis; VON RECKLINGHAUSEN DISEASE; NEUROFIBROMATOSIS, TYPE I, SOMATIC; Neurofibromatosis, type I. Identifiers: Orphanet 636, MedGen C0027831, MONDO:0018975, OMIM 162200. Disease mechanism: loss of function.

Submissions (2):

Labcorp Genetics (formerly Invitae), Labcorp
Classification: Pathogenic for Neurofibromatosis, type 1. Last evaluated: 2025-11-10. Review status: criteria provided, single submitter. Criteria: Invitae Variant Classification Sherloc (09022015). Collection method: clinical testing. Allele origin: germline.
Comment: This sequence change replaces phenylalanine, which is neutral and non-polar, with cysteine, which is neutral and slightly polar, at codon 1193 of the NF1 protein (p.Phe1193Cys). This variant is not present in population databases (gnomAD no frequency). This missense change has been observed in individual(s) with neurofibromatosis (PMID: 11735023). ClinVar contains an entry for this variant (Variation ID: 68335). Invitae Evidence Modeling of protein sequence and biophysical properties (such as structural, functional, and spatial information, amino acid conservation, physicochemical variation, residue mobility, and thermodynamic stability) indicates that this missense variant is expected to disrupt NF1 protein function with a positive predictive value of 95%. This variant disrupts the p.Phe1193 amino acid residue in NF1. Other variant(s) that disrupt this residue have been observed in individuals with NF1-related conditions (PMID: 28961165; internal data), which suggests that this may be a clinically significant amino acid residue. For these reasons, this variant has been classified as Pathogenic.

UniProtKB/Swiss-Prot
No classification provided. Review status: no classification provided. Collection method: not provided. Allele origin: not provided. Not counted in ClinVar's aggregate classification.

Literature cited by the submitters: PubMed 11735023 (cited by Labcorp Genetics (formerly Invitae), Labcorp); PubMed 28961165 (cited by Labcorp Genetics (formerly Invitae), Labcorp).

NM_001042492.3(NF1):c.3578T>G (p.Phe1193Cys)

Gene: NF1 (neurofibromin 1; plus strand). Cytogenetic location: 17q11.2.
Variant type: single nucleotide variant.
Coding change: c.3578T>G on transcript NM_001042492.3 (MANE Select); coding-DNA position 3578, T replaced by G.
Protein change: p.Phe1193Cys; replaces phenylalanine 1193 with cysteine.
Molecular consequence: missense variant.
Genome position (GRCh38, 1-based): chr17:31,233,083, T>G. VCF-style: chr17-31233083-T-G. GRCh37 (hg19) VCF-style: chr17-29560101-T-G.
Other names: c.3578T>G, p.Phe1193Cys (NM_000267.4); short protein forms F1193C.
Identifiers: ClinVar variation 68335 (VCV000068335.6), dbSNP rs199474780, ClinGen allele CA219522.